The following is an entry in ClinVar:

NM_000228.3(LAMB3):c.3034C>T (p.Gln1012Ter)

Gene: LAMB3 (laminin subunit beta 3; minus strand). Cytogenetic location: 1q32.2.
Variant type: single nucleotide variant.
Coding change: c.3034C>T on transcript NM_000228.3 (MANE Select); coding-DNA position 3034, C replaced by T.
Protein change: p.Gln1012Ter; replaces glutamine 1012 with a stop codon.
Molecular consequence: nonsense.
Genome position (GRCh38, 1-based): chr1:209,617,924, G>A on the plus strand (C>T on the coding strand, the complement: LAMB3 is on the minus strand). VCF-style: chr1-209617924-G-A. GRCh37 (hg19) VCF-style: chr1-209791269-G-A.
Other names: c.3034C>T, p.Gln1012Ter (NM_001017402.2, NM_001127641.1); short protein forms Q1012*.
Identifiers: ClinVar variation 370774 (VCV000370774.8), dbSNP rs1057516756, ClinGen allele CA16040689.

ClinVar aggregate classification (germline): Pathogenic/Likely pathogenic. Review status: criteria provided, multiple submitters, no conflicts (2 of 4 stars). 3 submissions from 3 submitters: Pathogenic (1); Likely pathogenic (1). 1 of the submissions does not count toward it. Last evaluated 2022-08-23.

Conditions:
Junctional epidermolysis bullosa gravis of Herlitz. Also called: Herlitz-type junctional epidermolysis bullosa; EPIDERMOLYSIS BULLOSA JUNCTIONALIS, HERLITZ TYPE; EPIDERMOLYSIS BULLOSA, JUNCTIONAL, HERLITZ-PEARSON TYPE; Epidermolysis Bullosa Letalis; JEB-HERLITZ TYPE; EPIDERMOLYSIS BULLOSA, JUNCTIONAL 1B, SEVERE. Identifiers: Orphanet 79404, MedGen C0079683, MONDO:0009182, OMIM 226700.

Submissions (3):

Labcorp Genetics (formerly Invitae), Labcorp
Classification: Pathogenic. Last evaluated: 2022-08-23. Review status: criteria provided, single submitter. Criteria: Invitae Variant Classification Sherloc (09022015). Collection method: clinical testing. Allele origin: germline.
Comment: This variant has not been reported in the literature in individuals affected with LAMB3-related conditions. This variant is not present in population databases (gnomAD no frequency). This sequence change creates a premature translational stop signal (p.Gln1012*) in the LAMB3 gene. It is expected to result in an absent or disrupted protein product. Loss-of-function variants in LAMB3 are known to be pathogenic (PMID: 11023379, 16473856). For these reasons, this variant has been classified as Pathogenic. ClinVar contains an entry for this variant (Variation ID: 370774).

Lifecell International Pvt. Ltd
Classification: Likely pathogenic for Junctional epidermolysis bullosa gravis of Herlitz. Review status: criteria provided, single submitter. Criteria: ACMG Guidelines, 2015. Collection method: clinical testing. Allele origin: germline. Inheritance: Autosomal recessive inheritance. Affected: yes. Observed: 1 homozygote.
Comment: A Homozygote Nonsense variant c.3034C>T in Exon 20 of the LAMB3 gene that results in the amino acid substitution p.Gln1012* was identified. The observed variant has a maximum allele frequency of 0% in gnomAD exomes and genomes, respectively. The severity of the impact of this variant on the protein is high, based on the effect of the protein and REVEL score. Rare Exome Variant Ensemble Learner (REVEL) is an ensembl method for predicting the pathogenicity of missense variants based on a combination of scores from 13 individual tools: MutPred, FATHMM v2.3, VEST 3.0, PolyPhen-2, SIFT, PROVEAN, MutationAssessor, MutationTaster, LRT, GERP++, SiPhy, phyloP, and phastCons. The REVEL score for an individual missense variant can range from 0 to 1, with higher scores reflecting greater likelihood that the variant is disease-causing. ClinVar has also classified this variant as Likely Pathogenic with 1 star, criteria provided, single submitter (variant ID: 370774). Based on the above evidence this variant has been classified as Likely Pathogenic according to the ACMG guidelines.

Counsyl
Classification: Likely pathogenic for Junctional epidermolysis bullosa gravis of Herlitz. Last evaluated: 2016-04-11. Review status: no assertion criteria provided. Collection method: clinical testing. Allele origin: unknown. Not counted in ClinVar's aggregate classification.

Literature cited by the submitters: PubMed 11023379 (cited by Labcorp Genetics (formerly Invitae), Labcorp); PubMed 16473856 (cited by Labcorp Genetics (formerly Invitae), Labcorp).